The following is an entry in ClinVar:

ClinVar aggregate classification (germline): Uncertain significance (1 of 4 stars; one submission).

Conditions:
Epileptic encephalopathy. Identifiers: MedGen C0543888, HP:0200134.

Submission:

Labcorp Genetics (formerly Invitae), Labcorp
Classification: Uncertain significance for Epileptic encephalopathy. Last evaluated: 2022-07-19. Review status: criteria provided, single submitter. Criteria: Invitae Variant Classification Sherloc (09022015). Collection method: clinical testing. Allele origin: germline.
Comment: This sequence change replaces methionine, which is neutral and non-polar, with valine, which is neutral and non-polar, at codon 2158 of the FASN protein (p.Met2158Val). This variant is not present in population databases (gnomAD no frequency). This variant has not been reported in the literature in individuals affected with FASN-related conditions. ClinVar contains an entry for this variant (Variation ID: 1350162). Algorithms developed to predict the effect of missense changes on protein structure and function are either unavailable or do not agree on the potential impact of this missense change (SIFT: "Deleterious"; PolyPhen-2: "Probably Damaging"; Align-GVGD: "Class C0"). Algorithms developed to predict the effect of sequence changes on RNA splicing suggest that this variant may create or strengthen a splice site. In summary, the available evidence is currently insufficient to determine the role of this variant in disease. Therefore, it has been classified as a Variant of Uncertain Significance.

NM_004104.5(FASN):c.6472A>G (p.Met2158Val)

Gene: FASN (fatty acid synthase; minus strand). Cytogenetic location: 17q25.3.
Variant type: single nucleotide variant.
Coding change: c.6472A>G on transcript NM_004104.5 (MANE Select); coding-DNA position 6472, A replaced by G.
Protein change: p.Met2158Val; replaces methionine 2158 with valine.
Molecular consequence: missense variant.
Genome position (GRCh38, 1-based): chr17:82,081,287, T>C on the plus strand (A>G on the coding strand, the complement: FASN is on the minus strand). VCF-style: chr17-82081287-T-C. GRCh37 (hg19) VCF-style: chr17-80039163-T-C.
Other names: short protein forms M2158V.
Identifiers: ClinVar variation 1350162 (VCV001350162.8), dbSNP rs2144781024, ClinGen allele CA401600325.
Genomic context (GRCh38, chr17:82,081,287, plus strand): 5'-CGCGCACGGACAGCACCAGGTTGAGCTCACGCTCCAGCGTCTGGCGCACCTCCACGCTCA[T>C]GAGCGAGTCCAGGCCCAGGTCCGCCAGTGAGCTGTCCAGGTTGACAGCAGCCAAGTCGCG-3'
Protein context (NP_004095.4, residues 2148-2168): SLADLGLDSL[Met2158Val]SVEVRQTLER